The following is an entry in ClinVar:

NM_001122630.2(CDKN1C):c.526G>T (p.Ala176Ser)

Gene: CDKN1C (cyclin dependent kinase inhibitor 1C; minus strand). Cytogenetic location: 11p15.4.
Variant type: single nucleotide variant.
Coding change: c.526G>T on transcript NM_001122630.2 (MANE Select); coding-DNA position 526, G replaced by T.
Protein change: p.Ala176Ser; replaces alanine 176 with serine.
Molecular consequence: missense variant. On other transcripts: intron variant (1).
Genome position (GRCh38, 1-based): chr11:2,884,931, C>A on the plus strand (G>T on the coding strand, the complement: CDKN1C is on the minus strand). VCF-style: chr11-2884931-C-A. GRCh37 (hg19) VCF-style: chr11-2906161-C-A.
Other names: c.255+271G>T (NM_001362475.2); c.559G>T, p.Ala187Ser (NM_000076.2, NM_001362474.2); c.526G>T, p.Ala176Ser (NM_001122631.2); short protein forms A176S, A187S.
Identifiers: ClinVar variation 1051048 (VCV001051048.9), dbSNP rs1163798897, ClinGen allele CA379146465.
Genomic context (GRCh38, chr11:2,884,931, plus strand): 5'-CCGGGGCCGGGGCCGGGGCTGGGGCCGGGGCCGCGACTGGAGCCGGGGCCGGAGCCGGAG[C>A]CGGAGCCGGGGCCGGGGCCGGGGCCAGGACCGCGACCGCGACCGGAGCCGCGACCGGAGC-3'
Protein context (NP_001116102.1, residues 166-186): VLAPAPAPAP[Ala176Ser]PAPAPAPVAA

ClinVar aggregate classification (germline): Uncertain significance (1 of 4 stars; one submission).

Conditions:
Beckwith-Wiedemann syndrome (BWS). Also called: Exomphalos macroglossia gigantism syndrome; EMG SYNDROME. Identifiers: Orphanet 116, MedGen C0004903, MONDO:0007534, OMIM 130650.

Allele frequency attached by ClinVar (database versions not stated): TOPMed below 0.00001.

Submission:

Labcorp Genetics (formerly Invitae), Labcorp
Classification: Uncertain significance for Beckwith-Wiedemann syndrome. Last evaluated: 2021-02-18. Review status: criteria provided, single submitter. Criteria: Invitae Variant Classification Sherloc (09022015). Collection method: clinical testing. Allele origin: germline.
Comment: This sequence change replaces alanine with serine at codon 187 of the CDKN1C protein (p.Ala187Ser). The alanine residue is weakly conserved and there is a moderate physicochemical difference between alanine and serine. The frequency data for this variant in the population databases is considered unreliable, as metrics indicate insufficient coverage at this position in the ExAC database. This variant has not been reported in the literature in individuals with CDKN1C-related conditions. Algorithms developed to predict the effect of missense changes on protein structure and function are either unavailable or do not agree on the potential impact of this missense change (SIFT: "Tolerated"; PolyPhen-2: "Not Available"; Align-GVGD: "Class C0"). In summary, the available evidence is currently insufficient to determine the role of this variant in disease. Therefore, it has been classified as a Variant of Uncertain Significance.